The following is an entry in ClinVar:

ClinVar aggregate classification (germline): Pathogenic. Review status: criteria provided, multiple submitters, no conflicts (2 of 4 stars). 5 submissions from 5 submitters: Pathogenic (5). Last evaluated 2024-09-24.

Conditions:
Polycystic kidney disease. Also called: Polycystic kidney dysplasia; Kidney, Polycystic. Identifiers: MedGen C0022680, MeSH D007690, MONDO:0020642, HP:0000113.
Encephalocele. Also called: Bifid cranium; Cranial meningoencephalocele; Craniocele. Identifiers: MedGen C4551722, HP:0002084.
Joubert syndrome. Also called: JOUBERT-BOLTSHAUSER SYNDROME; Familial aplasia of the vermis. Identifiers: Orphanet 475, MedGen C5979921, MONDO:0018772.
Meckel-Gruber syndrome. Also called: Dysencephalia splachnocystica; DYSENCEPHALIA SPLANCHNOCYSTICA; GRUBER SYNDROME. Identifiers: Orphanet 564, MedGen C0265215, MONDO:0018921.
COACH syndrome 2. Identifiers: MedGen C5436837, MONDO:0030859, OMIM 619111.
Meckel syndrome, type 6. Identifiers: Orphanet 564, MedGen C2676790, MONDO:0012848, OMIM 612284.
Joubert syndrome 9 (JBTS9). Identifiers: Orphanet 2318, MedGen C2676788, MONDO:0012849, OMIM 612285.
Retinitis pigmentosa 93. Identifiers: MedGen C5676970, MONDO:0030797, OMIM 619845.
Joubert syndrome and related disorders. Identifiers: Orphanet 140874, MedGen C5679612, MONDO:0015369.

Allele frequency attached by ClinVar (database versions not stated): TOPMed 0.00001.

Submissions (5):

Myriad Genetics, Inc.
Classification: Pathogenic for Joubert syndrome and related disorders. Last evaluated: 2024-09-24. Review status: criteria provided, single submitter. Criteria: Myriad Autosomal Dominant, Autosomal Recessive and X-Linked Classification Criteria (2023). Collection method: clinical testing. Allele origin: unknown.
Comment: NM_001080522.2(CC2D2A):c.1751G>A(W584*) is expected to be pathogenic in the context of CC2D2A-related disorders. This variant is predicted to lead to an abnormal or absent protein product due to the creation of a premature termination codon in CC2D2A, a gene where loss-of-function variants are known to be pathogenic. Please note: this variant was assessed in the context of healthy population screening.

Fulgent Genetics
Classification: Pathogenic for Meckel syndrome, type 6; Joubert syndrome 9; COACH syndrome 2; Retinitis pigmentosa 93. Last evaluated: 2024-02-06. Review status: criteria provided, single submitter. Criteria: ACMG Guidelines, 2015. Collection method: clinical testing. Allele origin: germline.

Labcorp Genetics (formerly Invitae), Labcorp
Classification: Pathogenic for Joubert syndrome; Meckel-Gruber syndrome. Last evaluated: 2022-07-19. Review status: criteria provided, single submitter. Criteria: Invitae Variant Classification Sherloc (09022015). Collection method: clinical testing. Allele origin: germline.
Comment: This sequence change creates a premature translational stop signal (p.Trp584*) in the CC2D2A gene. It is expected to result in an absent or disrupted protein product. Loss-of-function variants in CC2D2A are known to be pathogenic (PMID: 19777577). This variant is not present in population databases (gnomAD no frequency). This premature translational stop signal has been observed in individual(s) with CC2D2A-related conditions (PMID: 31680349). ClinVar contains an entry for this variant (Variation ID: 978623). For these reasons, this variant has been classified as Pathogenic.

Center for Reproductive Medicine, Peking University Third Hospital
Classification: Pathogenic for Encephalocele; Polycystic kidney disease. Last evaluated: 2019-10-16. Review status: criteria provided, single submitter. Criteria: ACMG Guidelines, 2015. Collection method: clinical testing. Allele origin: germline. Affected: yes.

Juno Genomics, Hangzhou Juno Genomics, Inc
Classification: Pathogenic for COACH syndrome 2; Joubert syndrome 9; Meckel syndrome, type 6; Retinitis pigmentosa 93. Review status: criteria provided, single submitter. Criteria: ACMG Guidelines, 2015. Collection method: clinical testing. Allele origin: germline.
Comment: Absent from controls (or at extremely low frequency if recessive) in Genome Aggregation Database.;Null variant in a gene where loss of function (LOF) is a known mechanism of disease.;For recessive disorders, detected in trans with a pathogenic variant.

Literature cited by the submitters: PubMed 19777577 (cited by Labcorp Genetics (formerly Invitae), Labcorp); PubMed 31680349 (cited by Labcorp Genetics (formerly Invitae), Labcorp and Center for Reproductive Medicine, Peking University Third Hospital); PubMed 26862157 (cited by Center for Reproductive Medicine, Peking University Third Hospital).

NM_001378615.1(CC2D2A):c.1751G>A (p.Trp584Ter)

Genes: CC2D2A (coiled-coil and C2 domain containing 2A; plus strand), FBXL5 (F-box and leucine rich repeat protein 5; minus strand). Cytogenetic location: 4p15.32.
Variant type: single nucleotide variant.
Coding change: c.1751G>A on transcript NM_001378615.1 (MANE Select); coding-DNA position 1751, G replaced by A.
Protein change: p.Trp584Ter; replaces tryptophan 584 with a stop codon.
Molecular consequence: nonsense.
Genome position (GRCh38, 1-based): chr4:15,537,063, G>A. VCF-style: chr4-15537063-G-A. GRCh37 (hg19) VCF-style: chr4-15538686-G-A.
Other names: c.1751G>A, p.Trp584Ter (NM_001080522.2); c.1604G>A, p.Trp535Ter (NM_001378617.1); short protein forms W535*, W584*.
Identifiers: ClinVar variation 978623 (VCV000978623.11), dbSNP rs980305935, ClinGen allele CA92530795.